The following is an entry in ClinVar:

NM_000268.4(NF2):c.375_376del (p.Gln125fs)

Gene: NF2 (NF2, moesin-ezrin-radixin like (MERLIN) tumor suppressor; plus strand). Cytogenetic location: 22q12.2.
Variant type: Deletion.
Coding change: c.375_376del on transcript NM_000268.4 (MANE Select); coding-DNA positions 375 to 376, 2 bases deleted (GA; older notation c.375_376delGA).
Protein change: p.Gln125fs; shifts the reading frame from glutamine 125.
Molecular consequence: frameshift variant. On other transcripts: non-coding transcript variant (1).
Genome position (GRCh38, 1-based): chr22:29,642,213-29,642,214, GA deleted; deleting any 2 consecutive bases within chr22:29,642,212-29,642,214 gives the same sequence; the c. name uses the placement nearest the transcript's 3' end. VCF-style (leftmost placement, unchanged base first): chr22-29642211-CAG-C. GRCh37 (hg19) VCF-style: chr22-30038200-CAG-C.
Other names: c.375_376del, p.Gln125fs (NM_016418.5, NM_181825.3, NM_181832.3 and 1 more transcripts); c.249_250del, p.Gln83fs (NM_181828.3); c.252_253del, p.Gln84fs (NM_181829.3); c.126_127del, p.Gln42fs (NM_181830.3, NM_181831.3); short protein forms Q125fs, Q42fs, Q83fs, Q84fs.
Identifiers: ClinVar variation 1069587 (VCV001069587.7), dbSNP rs2146892921, ClinGen allele CA2499226132.

ClinVar aggregate classification (germline): Pathogenic (1 of 4 stars; one submission).

Conditions:
Neurofibromatosis, type 2 (SWNV). Also called: BILATERAL ACOUSTIC NEUROFIBROMATOSIS; NF2-Related Schwannomatosis; SCHWANNOMATOSIS, VESTIBULAR. Identifiers: Orphanet 637, MedGen C0027832, MONDO:0007039, OMIM 101000. Disease mechanism: loss of function.

Submission:

Labcorp Genetics (formerly Invitae), Labcorp
Classification: Pathogenic for Neurofibromatosis, type 2. Last evaluated: 2018-03-15. Review status: criteria provided, single submitter. Criteria: Invitae Variant Classification Sherloc (09022015). Collection method: clinical testing. Allele origin: germline.
Comment: This variant is not present in population databases (ExAC no frequency). For these reasons, this variant has been classified as Pathogenic. Loss-of-function variants in NF2 are known to be pathogenic (PMID: 9643284, 16983642). This variant has not been reported in the literature in individuals with NF2-related disease. This sequence change creates a premature translational stop signal (p.Gln125Hisfs*4) in the NF2 gene. It is expected to result in an absent or disrupted protein product.

Literature cited by the submitters: PubMed 9643284; PubMed 16983642.